The following is an entry in ClinVar:

NM_000059.4(BRCA2):c.8591C>G (p.Ala2864Gly)

Gene: BRCA2 (BRCA2 DNA repair associated; plus strand). Cytogenetic location: 13q13.1.
Variant type: single nucleotide variant.
Coding change: c.8591C>G on transcript NM_000059.4 (MANE Select); coding-DNA position 8591, C replaced by G.
Protein change: p.Ala2864Gly; replaces alanine 2864 with glycine.
Molecular consequence: missense variant.
Genome position (GRCh38, 1-based): chr13:32,371,059, C>G. VCF-style: chr13-32371059-C-G. GRCh37 (hg19) VCF-style: chr13-32945196-C-G.
Other names: short protein forms A2864G.
Identifiers: ClinVar variation 441407 (VCV000441407.20), dbSNP rs80359116, ClinGen allele CA387752861.

ClinVar aggregate classification (germline): Conflicting classifications of pathogenicity. Review status: criteria provided, conflicting classifications (1 of 4 stars). 4 submissions from 4 submitters: Uncertain significance (3); Benign (1). Last evaluated 2025-04-15.

Conditions:
Hereditary cancer-predisposing syndrome. Also called: Hereditary Cancer Syndrome; Hereditary neoplastic syndrome; Neoplastic Syndromes, Hereditary; Tumor predisposition. Identifiers: Orphanet 140162, MedGen C0027672, MeSH D009386, MONDO:0015356.
Hereditary breast ovarian cancer syndrome. Also called: Hereditary breast and ovarian cancer; Breast and ovarian cancer; Hereditary breast and ovarian cancer syndrome; Hereditary breast and/or ovarian cancer syndrome; BRCA1- and BRCA2-Associated Hereditary Breast and Ovarian Cancer; Hereditary breast and ovarian cancer syndrome (HBOC). Identifiers: Orphanet 145, MedGen C0677776, MeSH D061325, MONDO:0003582. Disease mechanism: loss of function.
BRCA2-related cancer predisposition. Identifiers: MedGen CN377758, MONDO:0700269.

Allele frequency attached by ClinVar (database versions not stated): gnomAD exomes below 0.00001; gnomAD 0.00001.
gnomAD v4.1: 2 of 1,613,816 alleles (0.00012%); highest among the groups gnomAD compares: African/African-American, 0.0013%; no homozygotes.

Submissions (4):

Ambry Genetics
Classification: Benign for Hereditary cancer-predisposing syndrome. Last evaluated: 2025-04-15. Review status: criteria provided, single submitter. Criteria: Ambry Variant Classification Scheme 2023. Collection method: clinical testing. Allele origin: germline.

All of Us Research Program, National Institutes of Health
Classification: Uncertain significance for BRCA2-related cancer predisposition. Last evaluated: 2024-03-05. Review status: criteria provided, single submitter. Criteria: ACMG Guidelines, 2015. Collection method: clinical testing. Allele origin: germline. Inheritance: Autosomal dominant inheritance. Observed: 1 variant allele, 1 heterozygote.
Comment: This missense variant replaces alanine with glycine at codon 2864 of the BRCA2 protein. Computational prediction tool suggests that this variant may not impact protein structure and function (internally defined REVEL score threshold <=0.5, PMID: 27666373). Splice site prediction tools suggest that this variant may not impact RNA splicing. To our knowledge, functional studies have not been performed for this variant. This variant has not been reported in individuals affected with hereditary cancer in the literature. This variant has been identified in 1/251178 chromosomes in the general population by the Genome Aggregation Database (gnomAD). The available evidence is insufficient to determine the role of this variant in disease conclusively. Therefore, this variant is classified as a Variant of Uncertain Significance.

This study involves interpretation of variants in research participants for the purpose of population health screening. Participant phenotype was not available at the time of variant classification. Additional details can be found in publication PMID: 35346344, PMCID: PMC8962531

Labcorp Genetics (formerly Invitae), Labcorp
Classification: Uncertain significance for Hereditary breast ovarian cancer syndrome. Last evaluated: 2022-03-17. Review status: criteria provided, single submitter. Criteria: Invitae Variant Classification Sherloc (09022015). Collection method: clinical testing. Allele origin: germline.
Comment: ClinVar contains an entry for this variant (Variation ID: 441407). Advanced modeling of protein sequence and biophysical properties (such as structural, functional, and spatial information, amino acid conservation, physicochemical variation, residue mobility, and thermodynamic stability) performed at Invitae indicates that this missense variant is not expected to disrupt BRCA2 protein function. In summary, the available evidence is currently insufficient to determine the role of this variant in disease. Therefore, it has been classified as a Variant of Uncertain Significance. This variant has not been reported in the literature in individuals affected with BRCA2-related conditions. This sequence change replaces alanine, which is neutral and non-polar, with glycine, which is neutral and non-polar, at codon 2864 of the BRCA2 protein (p.Ala2864Gly). This variant is present in population databases (no rsID available, gnomAD 0.0009%).

Color Diagnostics, LLC DBA Color Health
Classification: Uncertain significance for Hereditary cancer-predisposing syndrome. Last evaluated: 2020-01-03. Review status: criteria provided, single submitter. Criteria: ACMG Guidelines, 2015. Collection method: clinical testing. Allele origin: germline.
Comment: This missense variant replaces alanine with glycine at codon 2864 of the BRCA2 protein. Computational prediction tool suggests that this variant may not impact protein structure and function (internally defined REVEL score threshold ≤0.5, PMID: 27666373). Splice site prediction tools suggest that this variant may not impact RNA splicing. To our knowledge, functional studies have not been performed for this variant. This variant has not been reported in individuals affected with hereditary cancer in the literature. This variant has been identified in 1/251178 chromosomes in the general population by the Genome Aggregation Database (gnomAD). The available evidence is insufficient to determine the role of this variant in disease conclusively. Therefore, this variant is classified as a Variant of Uncertain Significance.

Literature cited by the submitters: PubMed 39779857 (cited by Ambry Genetics).